The following is an entry in ClinVar:

ClinVar aggregate classification (germline): Uncertain significance (1 of 4 stars; one submission).

Conditions:
Hereditary cancer-predisposing syndrome. Also called: Tumor predisposition; Hereditary neoplastic syndrome; Neoplastic Syndromes, Hereditary; Hereditary Cancer Syndrome. Identifiers: Orphanet 140162, MedGen C0027672, MeSH D009386, MONDO:0015356.

Submission:

Ambry Genetics
Classification: Uncertain significance for Hereditary cancer-predisposing syndrome. Last evaluated: 2025-05-21. Review status: criteria provided, single submitter. Criteria: Ambry Variant Classification Scheme 2023. Collection method: clinical testing. Allele origin: germline.
Comment: The p.T36I variant (also known as c.107C>T), located in coding exon 2 of the BLM gene, results from a C to T substitution at nucleotide position 107. The threonine at codon 36 is replaced by isoleucine, an amino acid with similar properties. This amino acid position is conserved. In addition, the in silico prediction for this alteration is inconclusive. Based on the available evidence, the clinical significance of this variant remains unclear.

NM_000057.4(BLM):c.107C>T (p.Thr36Ile)

Gene: BLM (BLM RecQ like helicase; plus strand). Cytogenetic location: 15q26.1.
Variant type: single nucleotide variant.
Coding change: c.107C>T on transcript NM_000057.4 (MANE Select); coding-DNA position 107, C replaced by T.
Protein change: p.Thr36Ile; replaces threonine 36 with isoleucine.
Molecular consequence: missense variant. On other transcripts: 5 prime UTR variant (1).
Genome position (GRCh38, 1-based): chr15:90,749,375, C>T. VCF-style: chr15-90749375-C-T. GRCh37 (hg19) VCF-style: chr15-91292605-C-T.
Other names: c.107C>T, p.Thr36Ile (NM_001287247.2, NM_001287246.2); c.-1185C>T (NM_001287248.2); short protein forms T36I.
Identifiers: ClinVar variation 3991676 (VCV003991676.1).